The following is an entry in ClinVar:

NM_000132.4(F8):c.6245G>A (p.Ser2082Asn)

Gene: F8 (coagulation factor VIII; minus strand). Cytogenetic location: Xq28.
Variant type: single nucleotide variant.
Coding change: c.6245G>A on transcript NM_000132.4 (MANE Select); coding-DNA position 6245, G replaced by A.
Protein change: p.Ser2082Asn; replaces serine 2082 with asparagine.
Molecular consequence: missense variant.
Genome position (GRCh38, 1-based): chrX:154,899,894, C>T on the plus strand (G>A on the coding strand, the complement: F8 is on the minus strand). VCF-style: chrX-154899894-C-T. GRCh37 (hg19) VCF-style: chrX-154128169-C-T.
Other names: short protein forms S2082N.
Identifiers: ClinVar variation 618638 (VCV000618638.8), dbSNP rs1569559494, ClinGen allele CA414902916.

ClinVar aggregate classification (germline): Uncertain significance (1 of 4 stars; one submission).

Allele frequency attached by ClinVar (database versions not stated): TOPMed 0.00001.

Submission:

ARUP Laboratories, Molecular Genetics and Genomics, ARUP Laboratories
Classification: Uncertain significance. Last evaluated: 2018-03-01. Review status: criteria provided, single submitter. Criteria: ARUP Molecular Germline Variant Investigation Process. Collection method: clinical testing. Allele origin: germline.
Comment: The F8 c.6245G>A; p.Ser2082Asn variant, also known as Ser2063Asn, is reported in the medical literature in an individual with reportedly severe hemophilia (Cutler 2002). Additionally, another variant in the same codon, p.Ser2082Thr, is reported in the literature in an individual with mild hemophilia (Nair 2014). The c.6245G>A; p.Ser2082Asn variant is not reported in the ClinVar database or in the general population databases (1000 Genomes Project, Exome Variant Server, Genome Aggregation Database), indicating it is not a common polymorphism. The serine at this position is well conserved and computational algorithms (PolyPhen-2, SIFT) predict this variant is deleterious. Considering available information, the clinical significance of this variant cannot be determined with certainty. References: Cutler JA et al. The identification and classification of 41 novel mutations in the factor VIII gene (F8C). Hum Mutat. 2002 Mar;19(3):274-8. Nair PS et al. Mutations in intron 1 and intron 22 inversion negative haemophilia A patients from Western India. PLoS One. 2014 May 20;9(5):e97337.